The following is an entry in ClinVar:

NM_004453.4(ETFDH):c.244T>C (p.Ser82Pro)

Gene: ETFDH (electron transfer flavoprotein dehydrogenase; plus strand). Cytogenetic location: 4q32.1.
Variant type: single nucleotide variant.
Coding change: c.244T>C on transcript NM_004453.4 (MANE Select); coding-DNA position 244, T replaced by C.
Protein change: p.Ser82Pro; replaces serine 82 with proline.
Molecular consequence: missense variant.
Genome position (GRCh38, 1-based): chr4:158,682,263, T>C. VCF-style: chr4-158682263-T-C. GRCh37 (hg19) VCF-style: chr4-159603415-T-C.
Other names: c.103T>C, p.Ser35Pro (NM_001281737.2); c.61T>C, p.Ser21Pro (NM_001281738.1); c.244T>C (NM_004453.3); short protein forms S21P, S35P, S82P.
Identifiers: ClinVar variation 2675118 (VCV002675118.2), dbSNP rs2479080250, ClinGen allele CA358574003.

ClinVar aggregate classification (germline): Likely pathogenic. Review status: criteria provided, multiple submitters, no conflicts (2 of 4 stars). 2 submissions from 2 submitters: Likely pathogenic (2). Last evaluated 2025-05-08.

Conditions:
Glutaric acidemia type 2C.
Multiple acyl-CoA dehydrogenase deficiency (MADD). Also called: ETHYLMALONIC-ADIPICACIDURIA; GA II; Glutaric Acidemia type 2; Glutaric aciduria, type 2; Glutaric acidemia type II; GA 2. Identifiers: Orphanet 26791, MedGen C0268596, MONDO:0009282, OMIM 231680.

Allele frequency attached by ClinVar (database versions not stated): gnomAD exomes below 0.00001.
gnomAD v4.1: 3 of 1,614,178 alleles (0.00019%); highest among the groups gnomAD compares: Non-Finnish European, 0.00025%; no homozygotes.

Submissions (2):

Natera, Inc.
Classification: Likely pathogenic for Glutaric acidemia type 2C. Last evaluated: 2025-05-08. Review status: criteria provided, single submitter. Criteria: Natera Variant Classification Schema (03/2026). Collection method: clinical testing. Allele origin: germline.
Comment: The c.244T>C variant in ETFDH is a missense variant predicted to cause substitution of serine to proline at amino acid 82. This variant is rare in the general population with a frequency below the threshold expected for the associated phenotype(s). This variant has been observed in one or more individuals affected with the associated recessive disease, as either homozygous or compound heterozygous with a second variant (PMID: 32733732, 17584774, 37606529). This variant has been identified in one or more affected individuals with a phenotype highly consistent with the associated gene (PMID:37606529). Computational prediction algorithms indicate this variant is likely to affect gene or protein function. Given the available evidence, this variant is classified as Likely Pathogenic.

Baylor Genetics
Classification: Likely pathogenic for Multiple acyl-CoA dehydrogenase deficiency. Last evaluated: 2023-05-26. Review status: criteria provided, single submitter. Criteria: ACMG Guidelines, 2015. Collection method: clinical testing. Allele origin: unknown.

Literature cited by the submitters: PubMed 32733732 (cited by Natera, Inc.); PubMed 17584774 (cited by Natera, Inc.); PubMed 37606529 (cited by Natera, Inc.).